The following is an entry in ClinVar:

ClinVar aggregate classification (germline): Uncertain significance (1 of 4 stars; one submission).

Submission:

Labcorp Genetics (formerly Invitae), Labcorp
Classification: Uncertain significance. Last evaluated: 2026-01-06. Review status: criteria provided, single submitter. Criteria: Invitae Variant Classification Sherloc (09022015). Collection method: clinical testing. Allele origin: germline.
Comment: This sequence change replaces serine, which is neutral and polar, with threonine, which is neutral and polar, at codon 998 of the KL protein (p.Ser998Thr). This variant is not present in population databases (gnomAD no frequency). This variant has not been reported in the literature in individuals affected with KL-related conditions. ClinVar contains an entry for this variant (Variation ID: 2719166). Invitae Evidence Modeling of protein sequence and biophysical properties (such as structural, functional, and spatial information, amino acid conservation, physicochemical variation, residue mobility, and thermodynamic stability) indicates that this missense variant is not expected to disrupt KL protein function with a negative predictive value of 80%. In summary, the available evidence is currently insufficient to determine the role of this variant in disease. Therefore, it has been classified as a Variant of Uncertain Significance.

NM_004795.4(KL):c.2992T>A (p.Ser998Thr)

Gene: KL (klotho; plus strand). Cytogenetic location: 13q13.1.
Variant type: single nucleotide variant.
Coding change: c.2992T>A on transcript NM_004795.4 (MANE Select); coding-DNA position 2992, T replaced by A.
Protein change: p.Ser998Thr; replaces serine 998 with threonine.
Molecular consequence: missense variant.
Genome position (GRCh38, 1-based): chr13:33,064,139, T>A. VCF-style: chr13-33064139-T-A. GRCh37 (hg19) VCF-style: chr13-33638276-T-A.
Other names: short protein forms S998T.
Identifiers: ClinVar variation 2719166 (VCV002719166.3), dbSNP rs2501797701, ClinGen allele CA387800961.